The following is an entry in ClinVar:

NM_024675.4(PALB2):c.1503G>A (p.Arg501=)

Gene: PALB2 (partner and localizer of BRCA2; minus strand). Cytogenetic location: 16p12.2.
Variant type: single nucleotide variant.
Coding change: c.1503G>A on transcript NM_024675.4 (MANE Select); coding-DNA position 1503, G replaced by A.
Protein change: p.Arg501=; no amino-acid change (arginine 501 retained).
Molecular consequence: synonymous variant.
Genome position (GRCh38, 1-based): chr16:23,635,043, C>T on the plus strand (G>A on the coding strand, the complement: PALB2 is on the minus strand). VCF-style: chr16-23635043-C-T. GRCh37 (hg19) VCF-style: chr16-23646364-C-T.
Identifiers: ClinVar variation 415979 (VCV000415979.19), dbSNP rs1060504705, ClinGen allele CA16614892.

ClinVar aggregate classification (germline): Benign/Likely benign. Review status: criteria provided, multiple submitters, no conflicts (2 of 4 stars). 4 submissions from 4 submitters: Benign (1); Likely benign (3). Last evaluated 2025-11-17.

Conditions:
Hereditary cancer-predisposing syndrome. Also called: Tumor predisposition; Hereditary Cancer Syndrome; Hereditary neoplastic syndrome; Neoplastic Syndromes, Hereditary. Identifiers: Orphanet 140162, MedGen C0027672, MeSH D009386, MONDO:0015356.
Familial cancer of breast. Also called: BREAST CANCER, FAMILIAL; hereditary breast carcinoma; Hereditary breast cancer. Identifiers: Orphanet 227535, MedGen C0346153, MONDO:0016419, OMIM 114480. Disease mechanism: loss of function.

Allele frequency attached by ClinVar (database versions not stated): gnomAD exomes below 0.00001; gnomAD 0.00001; TOPMed 0.00001.

Submissions (4):

Labcorp Genetics (formerly Invitae), Labcorp
Classification: Likely benign for Familial cancer of breast. Last evaluated: 2025-11-17. Review status: criteria provided, single submitter. Criteria: Invitae Variant Classification Sherloc (09022015). Collection method: clinical testing. Allele origin: germline.

Myriad Genetics, Inc.
Classification: Benign for Familial cancer of breast. Last evaluated: 2025-01-13. Review status: criteria provided, single submitter. Criteria: Myriad Autosomal Dominant, Autosomal Recessive and X-Linked Classification Criteria (2023). Collection method: clinical testing. Allele origin: unknown.
Comment: This variant is considered benign. This variant is a silent/synonymous amino acid change and it is not expected to impact splicing.

Blueprint Genetics
Classification: Likely benign. Last evaluated: 2024-10-03. Review status: criteria provided, single submitter. Criteria: ACMG Guidelines, 2015. Collection method: clinical testing. Allele origin: germline.

Ambry Genetics
Classification: Likely benign for Hereditary cancer-predisposing syndrome. Last evaluated: 2015-11-16. Review status: criteria provided, single submitter. Criteria: Ambry Variant Classification Scheme 2023. Collection method: clinical testing. Allele origin: germline.